The following is an entry in ClinVar:

NM_003235.5(TG):c.3601_3616del (p.Thr1201fs)

Gene: TG (thyroglobulin; plus strand). Cytogenetic location: 8q24.22.
Variant type: Deletion.
Coding change: c.3601_3616del on transcript NM_003235.5 (MANE Select); coding-DNA positions 3601 to 3616, 16 bases deleted (ACGCGCGTGACCGGGG).
Protein change: p.Thr1201fs; shifts the reading frame from threonine 1201.
Molecular consequence: frameshift variant.
Genome position (GRCh38, 1-based): chr8:132,901,520-132,901,535, ACGCGCGTGACCGGGG deleted; deleting any 16 consecutive bases within chr8:132,901,517-132,901,535 gives the same sequence; the c. name uses the placement nearest the transcript's 3' end. VCF-style (leftmost placement, unchanged base first): chr8-132901516-TGGGACGCGCGTGACCG-T. GRCh37 (hg19) VCF-style: chr8-133913761-TGGGACGCGCGTGACCG-T.
Other names: short protein forms T1201fs.
Identifiers: ClinVar variation 2759248 (VCV002759248.3), dbSNP rs2490066698, ClinGen allele CA2688650604.

ClinVar aggregate classification (germline): Pathogenic (1 of 4 stars; one submission).

Submission:

Labcorp Genetics (formerly Invitae), Labcorp
Classification: Pathogenic. Last evaluated: 2023-12-14. Review status: criteria provided, single submitter. Criteria: Invitae Variant Classification Sherloc (09022015). Collection method: clinical testing. Allele origin: germline.
Comment: This sequence change creates a premature translational stop signal (p.Thr1201Alafs*57) in the TG gene. It is expected to result in an absent or disrupted protein product. Loss-of-function variants in TG are known to be pathogenic (PMID: 19837936, 23164529). This variant is not present in population databases (gnomAD no frequency). This variant has not been reported in the literature in individuals affected with TG-related conditions. For these reasons, this variant has been classified as Pathogenic.

Literature cited by the submitters: PubMed 19837936; PubMed 23164529.